The following is an entry in ClinVar:

ClinVar aggregate classification (germline): Conflicting classifications of pathogenicity. Review status: criteria provided, conflicting classifications (1 of 4 stars). 7 submissions from 7 submitters: Uncertain significance (1); Benign (1); Likely benign (4). 1 of the submissions does not count toward it. Last evaluated 2026-02-16.

Conditions:
Cardiovascular phenotype. Identifiers: MedGen CN230736.
CBL-related disorder. Also called: NOONAN SYNDROME-LIKE DISORDER WITHOUT JUVENILE MYELOMONOCYTIC LEUKEMIA; CBL MUTATION-ASSOCIATED SYNDROME; CBL SYNDROME. Identifiers: Orphanet 363972, MedGen C3150803, MONDO:0013308, OMIM 613563.

Allele frequency attached by ClinVar (database versions not stated): gnomAD exomes 0.00003 and 0.00011; gnomAD 0.00013; 1000 Genomes Project 0.00020; TOPMed 0.00023; ExAC 0.00026; 1000 Genomes Project 30x 0.00031.
gnomAD v4.1: 56 of 1,552,702 alleles (0.0036%); highest among the groups gnomAD compares: African/African-American, 0.045%; no homozygotes.

Submissions (7):

Ambry Genetics
Classification: Likely benign for Cardiovascular phenotype. Last evaluated: 2026-02-16. Review status: criteria provided, single submitter. Criteria: Ambry Variant Classification Scheme 2023. Collection method: clinical testing. Allele origin: germline.

ARUP Laboratories, Molecular Genetics and Genomics, ARUP Laboratories
Classification: Likely benign. Last evaluated: 2023-09-21. Review status: criteria provided, single submitter. Criteria: ARUP Molecular Germline Variant Investigation Process 2024. Collection method: clinical testing. Allele origin: germline.

Blueprint Genetics
Classification: Likely benign. Last evaluated: 2022-03-18. Review status: criteria provided, single submitter. Criteria: ACMG Guidelines, 2015. Collection method: clinical testing. Allele origin: germline.

Genetic Services Laboratory, University of Chicago
Classification: Uncertain significance. Last evaluated: 2020-01-28. Review status: criteria provided, single submitter. Criteria: ACMG Guidelines, 2015. Collection method: clinical testing. Allele origin: germline. Affected: no.

Women's Health and Genetics/Laboratory Corporation of America, LabCorp
Classification: Benign. Last evaluated: 2019-12-24. Review status: criteria provided, single submitter. Criteria: LabCorp Variant Classification Summary - May 2015. Collection method: clinical testing. Allele origin: germline.
Comment: Variant summary: CBL c.-5A>G is located in the untranslated mRNA region upstream of the initiation codon. The variant allele was found at a frequency of 0.00011 in 166128 control chromosomes. The observed variant frequency is approximately 46 fold of the estimated maximal expected allele frequency for a pathogenic variant in CBL causing Noonan Syndrome and Related Conditions phenotype (2.5e-06), strongly suggesting that the variant is benign. To our knowledge, no occurrence of c.-5A>G in individuals affected with Noonan Syndrome and Related Conditions and no experimental evidence demonstrating its impact on protein function have been reported. No clinical diagnostic laboratories have submitted clinical-significance assessments for this variant to ClinVar after 2014. Based on the evidence outlined above, the variant was classified as benign.

GeneDx
Classification: Likely benign. Last evaluated: 2019-07-19. Review status: criteria provided, single submitter. Criteria: GeneDx Variant Classification Process June 2021. Collection method: clinical testing. Allele origin: germline. Affected: yes.

PreventionGenetics, part of Exact Sciences
Classification: Likely benign for CBL-related condition. Last evaluated: 2019-06-11. Review status: no assertion criteria provided. Collection method: clinical testing. Allele origin: germline. Not counted in ClinVar's aggregate classification.
Comment: This variant is classified as likely benign based on ACMG/AMP sequence variant interpretation guidelines (Richards et al. 2015 PMID: 25741868, with internal and published modifications).

NM_005188.4(CBL):c.-5A>G

Gene: CBL (Cbl proto-oncogene; plus strand). Cytogenetic location: 11q23.3.
Variant type: single nucleotide variant.
Coding change: c.-5A>G on transcript NM_005188.4 (MANE Select); 5 bases upstream of the start codon, A replaced by G.
Molecular consequence: 5 prime UTR variant.
Genome position (GRCh38, 1-based): chr11:119,206,413, A>G. VCF-style: chr11-119206413-A-G. GRCh37 (hg19) VCF-style: chr11-119077123-A-G.
Other names: c.-5A>G (NM_005188.2).
Identifiers: ClinVar variation 928886 (VCV000928886.14), dbSNP rs552214111, ClinGen allele CA6318207.